The following is an entry in ClinVar:

NM_001378454.1(ALMS1):c.3552A>G (p.Ile1184Met)

Gene: ALMS1 (ALMS1 centrosome and basal body associated protein; plus strand). Cytogenetic location: 2p13.1.
Variant type: single nucleotide variant.
Coding change: c.3552A>G on transcript NM_001378454.1 (MANE Select); coding-DNA position 3552, A replaced by G.
Protein change: p.Ile1184Met; replaces isoleucine 1184 with methionine.
Molecular consequence: missense variant.
Genome position (GRCh38, 1-based): chr2:73,450,079, A>G. VCF-style: chr2-73450079-A-G. GRCh37 (hg19) VCF-style: chr2-73677206-A-G.
Other names: c.3555A>G, p.Ile1185Met (NM_015120.4); short protein forms I1185M, I1184M.
Identifiers: ClinVar variation 1486883 (VCV001486883.4), dbSNP rs2103779378, ClinGen allele CA347275899.

ClinVar aggregate classification (germline): Uncertain significance (1 of 4 stars; one submission).

Conditions:
Alstrom syndrome (ALMS). Identifiers: Orphanet 64, MedGen C0268425, MONDO:0008763, OMIM 203800.

Allele frequency attached by ClinVar (database versions not stated): gnomAD exomes below 0.00001.
gnomAD v4.1: 6 of 1,614,032 alleles (0.00037%); highest among the groups gnomAD compares: Non-Finnish European, 0.00051%; no homozygotes.

Submission:

Labcorp Genetics (formerly Invitae), Labcorp
Classification: Uncertain significance for Alstrom syndrome. Last evaluated: 2023-12-30. Review status: criteria provided, single submitter. Criteria: Invitae Variant Classification Sherloc (09022015). Collection method: clinical testing. Allele origin: germline.
Comment: This sequence change replaces isoleucine, which is neutral and non-polar, with methionine, which is neutral and non-polar, at codon 1185 of the ALMS1 protein (p.Ile1185Met). This variant is not present in population databases (gnomAD no frequency). This variant has not been reported in the literature in individuals affected with ALMS1-related conditions. ClinVar contains an entry for this variant (Variation ID: 1486883). Experimental studies and prediction algorithms are not available or were not evaluated, and the functional significance of this variant is currently unknown. In summary, the available evidence is currently insufficient to determine the role of this variant in disease. Therefore, it has been classified as a Variant of Uncertain Significance.